The following continues an entry in ClinVar:

NM_000363.5(TNNI3):c.433C>T (p.Arg145Trp)

Gene: TNNI3. ClinVar aggregate classification (germline): Pathogenic/Likely pathogenic. Pathogenic (14); Likely pathogenic (1).

Submissions 9 to 21 of 21:

Robert's Program, Boston Children's Hospital
Classification: Pathogenic for SUDDEN INFANT DEATH SYNDROME. Last evaluated: 2021-10-01. Review status: criteria provided, single submitter. Criteria: ACMG Guidelines, 2015. Collection method: research. Allele origin: germline. Affected: yes.
Comment: We classify this variant as pathogenic using the following ACMG/AMP criteria: PS3, PS1, PP1, PP5

Victorian Clinical Genetics Services, Murdoch Childrens Research Institute
Classification: Pathogenic for Cardiomyopathy. Last evaluated: 2020-05-01. Review status: criteria provided, single submitter. Criteria: ACMG Guidelines, 2015. Collection method: clinical testing. Allele origin: germline. Affected: yes.
Comment: Based on the classification scheme VCGS_Germline_v1.1.1, this variant is classified as pathogenic. Following criteria are met: 0103 - Both loss- and gain-of-function are known mechanisms of disease for this gene and both mechanisms have been functionally proven with missense variants (PMID: 21533915). (N) 0108 - This gene is known to be associated most commonly with dominant disease, however there is low evidence of association with recessive disease (OMIM). (N) 0112 - Variants in this gene are known to have reduced penetrance (PMID: 15607392). (N) 0200 - Variant is predicted to result in a missense amino acid change from an arginine to a tryptophan (exon 7). (N) 0251 - Variant is heterozygous. (N) 0302 - Variant is present in gnomAD <0.001 for a dominant condition (3 heterozygotes, 0 homozygotes). (P) 0309 - An alternative amino acid change at the same position has been observed in gnomAD (4 heterozygotes, 0 homozygotes). (N) 0501 - Missense variant consistently predicted to be damaging by multiple in silico tools and is highly conserved with a major amino acid change. (P) 0600 - Variant is located in an annotated domain or motif, (troponin domain; PDB, NCBI). (N) 0702 – Comparable missense variants at the same residue (p.Arg145Gly, p.Arg145Gln) have strong previous evidence for pathogenicity. These variants have been reported many times as pathogenic (ClinVar, LOVD). (P) 0801 - Strong previous evidence of pathogenicity in multiple unrelated individuals with hypertrophic cardiomyopathy (HCM) and restrictive cardiomyopathy (RCM) (ClinVar, LOVD, PMID: 28382084). (P) 0903 - Evidence for segregation with disease in a family with both HCM and RCM (PMID: 28382084). (P) 1002 - Moderate functional evidence supporting abnormal protein function. Transgenic mice were shown to have increased ATPase activity and longer muscle contractions (PMID: 19651143). (P) 1208 – Inheritance information for this variant is not currently available. (N) Legend: (P) - Pathogenic, (N) - Neutral, (B) - Benign

Laboratory for Molecular Medicine, Mass General Brigham Personalized Medicine
Classification: Pathogenic for Hypertrophic cardiomyopathy. Last evaluated: 2019-06-28. Review status: criteria provided, single submitter. Criteria: LMM Criteria. Collection method: clinical testing. Allele origin: germline. Inheritance: Autosomal dominant inheritance. Observed: 11 variant alleles.
Comment: The p.Arg145Trp variant in TNNI3 has been reported in >25 individuals with HCM or RCM and segregated with disease in >15 affected family members (Yumoto 2005, Mogensen 2004, Andersen 2009, Cheng 2005, Fokstuen 2008, Mogensen 2003, van den Wijngaard 2011, Walsh 2017, Hwang 2017, van Velzen 2018, LMM data). It was shown to be a Dutch founder mutation (van den Wijngaard 2011).This variant has also been identified in 3/280226 chromosomes by gnomAD and reported in ClinVar (Variation ID #12426). Functional studies in muscle fibers from transgenic mice showed an increase in force generation (Wen 2009). In summary, this variant meets criteria to be classified as pathogenic for autosomal dominant HCM. ACMG/AMP Criteria applied: PS4, PP1_Strong, PM2, PS3_Moderate.

Agnes Ginges Centre for Molecular Cardiology, Centenary Institute
Classification: Pathogenic for hypertrophic cardiomyopathy; restrictive cardiomyopathy. Last evaluated: 2019-01-21. Review status: criteria provided, single submitter. Criteria: ACMG Guidelines, 2015. Collection method: research. Allele origin: germline. Inheritance: Autosomal dominant inheritance. Affected: yes.
Comment: The TNNI3 Arg145Trp variant has been identified in multiple HCM and RCM patients (Mogensen et al., 2003; Mogensen et al., 2004; Cheng, 2005; Fokstuen et al., 2008; Andersen et al., 2009; van den Wjingaard et al., 2011). The variant has also been shown to segregate with disease in several families (Mogensen et al., 2004; Andersen et al., 2009; van den Wjingaard et al., 2011; Maron et al., 2012). Van den Wjingaard et al., identified this variant in multiple probands, and using haplotype analysis proved that TNNI3 Arg145Trp is a founder mutation in the Dutch population. Furthermore, functional studies have shown that Arg145Trp mutant muscle fibres cause a significant increase in Ca2+ sensitivity for force development as well as ATPase activity, and lack the ability to inhibit human cardiac troponin I actomyosin ATPase activity (Gomes AV, et al., 2005; Yumoto F, et al., 2005; Wu HF, et al., 2007; Wen Y, et al, 2007). The TNNI3 Arg145Trp variant is present in the Genome Aggregation Database, at an allele frequency of 0.000012. We have identified this variant in 3 HCM probands and 2 probands with RCM. Two different rare variants at this position (Arg145Gly and Arg145Gln) have also been reported in multiple HCM individuals suggesting that an amino acid substitution at this site may not be tolerated. Computational tools SIFT, MutationTaster, Polyphen-HCM and PolyPhen-2 predict this variant to have a deleterious effect. Based on the adapted ACMG criteria (Kelly MA, et al., 2018), functional studies have shown that this variant causes a damaging effect on the protein (PS3), the variant has reported in more than 10 unrelated HCM probands (PS4), the variant segregates strongly with disease (PP1_Strong), the variant is rare in the general population (PM2) and multiple in silico tools predict this variant to have a deleterious effect (PP3), therefore we classify TNNI3 Arg145Trp as "pathogenic".

Center for Human Genetics, University of Leuven
Classification: Pathogenic for Hypertrophic cardiomyopathy. Last evaluated: 2017-02-09. Review status: criteria provided, single submitter. Criteria: ACMG Guidelines, 2015. Collection method: clinical testing. Allele origin: germline. Inheritance: Autosomal dominant inheritance. Affected: yes. Observed: 9 variant alleles.
Comment: ACMG score pathogenic

Stanford Center for Inherited Cardiovascular Disease, Stanford University
Classification: Likely pathogenic. Last evaluated: 2014-04-08. Review status: criteria provided, single submitter. Criteria: ACMG Guidelines, 2015. Collection method: provider interpretation. Allele origin: germline.

Juno Genomics, Hangzhou Juno Genomics, Inc
Classification: Pathogenic for Dilated cardiomyopathy 2A; Dilated cardiomyopathy 1FF; Cardiomyopathy, familial restrictive, 1; Hypertrophic cardiomyopathy 7. Review status: criteria provided, single submitter. Criteria: ACMG Guidelines, 2015. Collection method: clinical testing. Allele origin: germline.
Comment: Absent from controls (or at extremely low frequency if recessive) in Genome Aggregation Database.;Novel missense change at an amino acid residue where a different missense change determined to be pathogenic has been seen before.;The prevalence of the variant in affected individuals is significantly increased compared to the prevalence in controls.;Co-segregation with disease in multiple affected family members.;Well-established in vitro or in vivo functional studies supportive of a damaging effect on the gene or gene product.

OMIM
Classification: Pathogenic for CARDIOMYOPATHY, FAMILIAL RESTRICTIVE, 1. Last evaluated: 2003-01-01. Review status: no assertion criteria provided. Collection method: literature only. Allele origin: germline. Not counted in ClinVar's aggregate classification.

Clinical Genetics DNA and cytogenetics Diagnostics Lab, Erasmus MC, Erasmus Medical Center
Classification: Pathogenic. Review status: no assertion criteria provided. Collection method: clinical testing. Allele origin: germline. Affected: yes. Study: VKGL Data-share Consensus. Not counted in ClinVar's aggregate classification.

Clinical Genetics, Academic Medical Center
Classification: Pathogenic. Review status: no assertion criteria provided. Collection method: clinical testing. Allele origin: germline. Affected: yes. Study: VKGL Data-share Consensus. Not counted in ClinVar's aggregate classification.

Diagnostic Laboratory, Department of Genetics, University Medical Center Groningen
Classification: Pathogenic. Review status: no assertion criteria provided. Collection method: clinical testing. Allele origin: germline. Affected: yes. Study: VKGL Data-share Consensus. Not counted in ClinVar's aggregate classification.

Genome Diagnostics Laboratory, University Medical Center Utrecht
Classification: Pathogenic. Review status: no assertion criteria provided. Collection method: clinical testing. Allele origin: germline. Affected: yes. Study: VKGL Data-share Consensus. Not counted in ClinVar's aggregate classification.

Joint Genome Diagnostic Labs from Nijmegen and Maastricht, Radboudumc and MUMC+
Classification: Pathogenic. Review status: no assertion criteria provided. Collection method: clinical testing. Allele origin: germline. Affected: yes. Study: VKGL Data-share Consensus. Not counted in ClinVar's aggregate classification.

Literature cited by the submitters: PubMed 12531876 (cited by 6 submitters); PubMed 21533915 (cited by 6 submitters); PubMed 23283745 (cited by 3 submitters); PubMed 27532257 (cited by 4 submitters); PubMed 16531415 (cited by 3 submitters); PubMed 18423659 (cited by 3 submitters); PubMed 19289050 (cited by 3 submitters); PubMed 19651143 (cited by 7 submitters); PubMed 27557662 (cited by 4 submitters); PubMed 9241277 (cited by Labcorp Genetics (formerly Invitae), Labcorp and 3billion); PubMed 11735257 (cited by Labcorp Genetics (formerly Invitae), Labcorp); PubMed 15607392 (cited by 5 submitters); PubMed 24111713 (cited by Labcorp Genetics (formerly Invitae), Labcorp); PubMed 25132132 (cited by Labcorp Genetics (formerly Invitae), Labcorp and Agnes Ginges Centre for Molecular Cardiology, Centenary Institute); PubMed 15961398 (cited by 3 submitters); PubMed 15992656 (cited by 3 submitters); PubMed 16288990 (cited by 3 submitters); PubMed 18269819 (cited by 3 submitters); PubMed 18409188 (cited by 3 submitters); PubMed 19035361 (cited by 3 submitters); PubMed 21839045 (cited by All of Us Research Program, National Institutes of Health and Agnes Ginges Centre for Molecular Cardiology, Centenary Institute); PubMed 28382084 (cited by 3 submitters); PubMed 29661763 (cited by All of Us Research Program, National Institutes of Health and Laboratory for Molecular Medicine, Mass General Brigham Personalized Medicine); PubMed 16020591 (cited by Laboratory for Molecular Medicine, Mass General Brigham Personalized Medicine and Agnes Ginges Centre for Molecular Cardiology, Centenary Institute); PubMed 17599605 (cited by Laboratory for Molecular Medicine, Mass General Brigham Personalized Medicine and Agnes Ginges Centre for Molecular Cardiology, Centenary Institute); PubMed 12746413 (cited by Laboratory for Molecular Medicine, Mass General Brigham Personalized Medicine and Agnes Ginges Centre for Molecular Cardiology, Centenary Institute); PubMed 20031602 (cited by Agnes Ginges Centre for Molecular Cardiology, Centenary Institute); PubMed 21239446 (cited by Agnes Ginges Centre for Molecular Cardiology, Centenary Institute); PubMed 10098965 (cited by OMIM).